The following is an entry in ClinVar:

ClinVar aggregate classification (germline): Uncertain significance (1 of 4 stars; one submission).

Allele frequency attached by ClinVar (database versions not stated): gnomAD exomes 0.00001; ExAC 0.00002; TOPMed 0.00002; ESP Exome Variant Server 0.00008; gnomAD 0.00001.
gnomAD v4.1: 10 of 1,613,512 alleles (0.00062%); highest among the groups gnomAD compares: Non-Finnish European, 0.00085%; no homozygotes.

Submission:

Labcorp Genetics (formerly Invitae), Labcorp
Classification: Uncertain significance. Last evaluated: 2023-05-27. Review status: criteria provided, single submitter. Criteria: Invitae Variant Classification Sherloc (09022015). Collection method: clinical testing. Allele origin: germline.
Comment: In summary, the available evidence is currently insufficient to determine the role of this variant in disease. Therefore, it has been classified as a Variant of Uncertain Significance. Advanced modeling of protein sequence and biophysical properties (such as structural, functional, and spatial information, amino acid conservation, physicochemical variation, residue mobility, and thermodynamic stability) performed at Invitae indicates that this missense variant is not expected to disrupt INTU protein function. This variant has not been reported in the literature in individuals affected with INTU-related conditions. This variant is present in population databases (rs139986761, gnomAD 0.0009%). This sequence change replaces serine, which is neutral and polar, with arginine, which is basic and polar, at codon 455 of the INTU protein (p.Ser455Arg).

NM_015693.4(INTU):c.1363A>C (p.Ser455Arg)

Genes: INTU (inturned planar cell polarity protein; plus strand), LOC126807151 (CDK7 strongly-dependent group 2 enhancer GRCh37_chr4:128607842-128609041; plus strand). Cytogenetic location: 4q28.1.
Variant type: single nucleotide variant.
Coding change: c.1363A>C on transcript NM_015693.4 (MANE Select); coding-DNA position 1363, A replaced by C.
Protein change: p.Ser455Arg; replaces serine 455 with arginine.
Molecular consequence: missense variant.
Genome position (GRCh38, 1-based): chr4:127,687,781, A>C. VCF-style: chr4-127687781-A-C. GRCh37 (hg19) VCF-style: chr4-128608936-A-C.
Other names: short protein forms S455R.
Identifiers: ClinVar variation 2843203 (VCV002843203.3), dbSNP rs139986761, ClinGen allele CA3075044.